The following is an entry in ClinVar:

ClinVar aggregate classification (germline): Uncertain significance (1 of 4 stars; one submission).

Allele frequency attached by ClinVar (database versions not stated): gnomAD exomes below 0.00001.
gnomAD v4.1: 1 of 1,614,074 alleles (0.000062%); highest among the groups gnomAD compares: Non-Finnish European, 0.000085%; no homozygotes.

Submission:

Labcorp Genetics (formerly Invitae), Labcorp
Classification: Uncertain significance. Last evaluated: 2023-11-17. Review status: criteria provided, single submitter. Criteria: Invitae Variant Classification Sherloc (09022015). Collection method: clinical testing. Allele origin: germline.
Comment: This sequence change replaces glutamine, which is neutral and polar, with arginine, which is basic and polar, at codon 45 of the MTOR protein (p.Gln45Arg). This variant is not present in population databases (gnomAD no frequency). This variant has not been reported in the literature in individuals affected with MTOR-related conditions. Advanced modeling of protein sequence and biophysical properties (such as structural, functional, and spatial information, amino acid conservation, physicochemical variation, residue mobility, and thermodynamic stability) performed at Invitae indicates that this missense variant is not expected to disrupt MTOR protein function with a negative predictive value of 95%. In summary, the available evidence is currently insufficient to determine the role of this variant in disease. Therefore, it has been classified as a Variant of Uncertain Significance.

NM_004958.4(MTOR):c.134A>G (p.Gln45Arg)

Gene: MTOR (mechanistic target of rapamycin kinase; minus strand). Cytogenetic location: 1p36.22.
Variant type: single nucleotide variant.
Coding change: c.134A>G on transcript NM_004958.4 (MANE Select); coding-DNA position 134, A replaced by G.
Protein change: p.Gln45Arg; replaces glutamine 45 with arginine.
Molecular consequence: missense variant. On other transcripts: 5 prime UTR variant (1).
Genome position (GRCh38, 1-based): chr1:11,259,276, T>C on the plus strand (A>G on the coding strand, the complement: MTOR is on the minus strand). VCF-style: chr1-11259276-T-C. GRCh37 (hg19) VCF-style: chr1-11319333-T-C.
Other names: c.134A>G, p.Gln45Arg (NM_001386500.1); c.-1006A>G (NM_001386501.1); short protein forms Q45R.
Identifiers: ClinVar variation 2696288 (VCV002696288.3), dbSNP rs2523475026, ClinGen allele CA338405183.